The following is an entry in ClinVar:

NM_001008537.3(NEXMIF):c.2667G>A (p.Trp889Ter)

Gene: NEXMIF (neurite extension and migration factor; minus strand). Cytogenetic location: Xq13.3.
Variant type: single nucleotide variant.
Coding change: c.2667G>A on transcript NM_001008537.3 (MANE Select); coding-DNA position 2667, G replaced by A.
Protein change: p.Trp889Ter; replaces tryptophan 889 with a stop codon.
Molecular consequence: nonsense.
Genome position (GRCh38, 1-based): chrX:74,741,890, C>T on the plus strand (G>A on the coding strand, the complement: NEXMIF is on the minus strand). VCF-style: chrX-74741890-C-T. GRCh37 (hg19) VCF-style: chrX-73961725-C-T.
Other names: short protein forms W889*.
Identifiers: ClinVar variation 2682153 (VCV002682153.3), dbSNP rs2519913512, ClinGen allele CA413667701.
Genomic context (GRCh38, chrX:74,741,890, plus strand): 5'-GGCTATCTCCCTTGAGACTTCAGCCATGAATTCCTGGGTGCCAGAAGTAGCCTTGTTGGG[C>T]CACACATTTCTATAGTTGCTTGATTCCATTTTGAAGTTATGAGATGACTGCTGCAGCTCA-3'

ClinVar aggregate classification (germline): Pathogenic. Review status: criteria provided, multiple submitters, no conflicts (2 of 4 stars). 2 submissions from 2 submitters: Pathogenic (2). Last evaluated 2026-09-01.

Conditions:
X-linked intellectual disability, Cantagrel type (XLID98). Also called: INTELLECTUAL DEVELOPMENTAL DISORDER, X-LINKED 98. Identifiers: Orphanet 85277, MedGen C3806730, MONDO:0010483, OMIM 300912.

Submissions (2):

CeGaT Center for Human Genetics Tuebingen
Classification: Pathogenic. Last evaluated: 2026-09-01. Review status: criteria provided, single submitter. Criteria: CeGaT Center For Human Genetics Tuebingen Variant Classification Criteria Version 2. Collection method: clinical testing. Allele origin: germline. Affected: yes. Observed: 1 variant allele.
Comment: NEXMIF: PVS1, PM2

Laboratory of genome editing, Research Centre for Medical Genetics
Classification: Pathogenic for X-linked intellectual disability, Cantagrel type. Review status: criteria provided, single submitter. Criteria: ACMG Guidelines, 2015. Collection method: clinical testing. Allele origin: de novo. Affected: yes. Observed: 1 hemizygote.
Comment: PVS1, PS2, PM2

Literature cited by the submitters: PubMed 35887114 (cited by Laboratory of genome editing, Research Centre for Medical Genetics).